The following is an entry in ClinVar:

NM_000218.3(KCNQ1):c.1892C>G (p.Pro631Arg)

Genes: KCNQ1-AS1 (KCNQ1 antisense RNA 1; minus strand), KCNQ1 (potassium voltage-gated channel subfamily Q member 1; plus strand). Cytogenetic location: 11p15.4.
Variant type: single nucleotide variant.
Coding change: c.1892C>G on transcript NM_000218.3 (MANE Select); coding-DNA position 1892, C replaced by G.
Protein change: p.Pro631Arg; replaces proline 631 with arginine.
Molecular consequence: missense variant.
Genome position (GRCh38, 1-based): chr11:2,847,864, C>G. VCF-style: chr11-2847864-C-G. GRCh37 (hg19) VCF-style: chr11-2869094-C-G.
Other names: c.1796C>G, p.Pro599Arg (NM_001406836.1); c.1622C>G, p.Pro541Arg (NM_001406837.1); c.1352C>G, p.Pro451Arg (NM_001406838.1); c.404C>G, p.Pro135Arg (NM_001406839.1); c.1511C>G, p.Pro504Arg (NM_181798.2); short protein forms P631R, P504R, P599R, P451R, P541R, P135R.
Identifiers: ClinVar variation 921471 (VCV000921471.18), dbSNP rs1432436411, ClinGen allele CA379140372.

ClinVar aggregate classification (germline): Uncertain significance. Review status: criteria provided, multiple submitters, no conflicts (2 of 4 stars). 5 submissions from 5 submitters: Uncertain significance (5). Last evaluated 2025-01-08.

Conditions:
Long QT syndrome (LQTS). Identifiers: MedGen C0023976, MeSH D008133, MONDO:0002442. Disease mechanism: loss of function. Inheritance: Various modes of inheritance.
Cardiovascular phenotype. Identifiers: MedGen CN230736.
Cardiac arrhythmia. Also called: Arrhythmia; Cardiac rhythm disease. Identifiers: MedGen C0003811, MONDO:0007263, HP:0011675.

Allele frequency attached by ClinVar (database versions not stated): gnomAD exomes 0.00002.
gnomAD v4.1: 22 of 1,577,386 alleles (0.0014%); highest among the groups gnomAD compares: East Asian, 0.0023%; no homozygotes.

Submissions (5):

Labcorp Genetics (formerly Invitae), Labcorp
Classification: Uncertain significance for Long QT syndrome. Last evaluated: 2025-01-08. Review status: criteria provided, single submitter. Criteria: Invitae Variant Classification Sherloc (09022015). Collection method: clinical testing. Allele origin: germline.
Comment: This sequence change replaces proline, which is neutral and non-polar, with arginine, which is basic and polar, at codon 631 of the KCNQ1 protein (p.Pro631Arg). This variant is present in population databases (no rsID available, gnomAD 0.008%). This variant has not been reported in the literature in individuals affected with KCNQ1-related conditions. ClinVar contains an entry for this variant (Variation ID: 921471). Invitae Evidence Modeling of protein sequence and biophysical properties (such as structural, functional, and spatial information, amino acid conservation, physicochemical variation, residue mobility, and thermodynamic stability) indicates that this missense variant is not expected to disrupt KCNQ1 protein function with a negative predictive value of 95%. In summary, the available evidence is currently insufficient to determine the role of this variant in disease. Therefore, it has been classified as a Variant of Uncertain Significance.

All of Us Research Program, National Institutes of Health
Classification: Uncertain significance for Long QT syndrome. Last evaluated: 2024-03-24. Review status: criteria provided, single submitter. Criteria: ACMG Guidelines, 2015. Collection method: clinical testing. Allele origin: germline. Inheritance: Autosomal dominant inheritance. Observed: 3 variant alleles, 3 heterozygotes.
Comment: This missense variant replaces proline with arginine at codon 631 of the KCNQ1 protein. Computational prediction is inconclusive regarding the impact of this variant on protein structure and function (internally defined REVEL score threshold 0.5 < inconclusive < 0.7, PMID: 27666373). To our knowledge, functional studies have not been reported for this variant. This variant has not been reported in individuals affected with cardiovascular disorders in the literature. This variant has been identified in 3/188540 chromosomes in the general population by the Genome Aggregation Database (gnomAD). The available evidence is insufficient to determine the role of this variant in disease conclusively. Therefore, this variant is classified as a Variant of Uncertain Significance.

This study involves interpretation of variants in research participants for the purpose of population health screening. Participant phenotype was not available at the time of variant classification. Additional details can be found in publication PMID: 35346344, PMCID: PMC8962531

Color Diagnostics, LLC DBA Color Health
Classification: Uncertain significance for Cardiac arrhythmia. Last evaluated: 2024-03-07. Review status: criteria provided, single submitter. Criteria: ACMG Guidelines, 2015. Collection method: clinical testing. Allele origin: germline.
Comment: This missense variant replaces proline with arginine at codon 631 of the KCNQ1 protein. Computational prediction is inconclusive regarding the impact of this variant on protein structure and function (internally defined REVEL score threshold 0.5 < inconclusive < 0.7, PMID: 27666373). To our knowledge, functional studies have not been reported for this variant. This variant has not been reported in individuals affected with KCNQ1-related disorders in the literature. This variant has been identified in 3/188540 chromosomes in the general population by the Genome Aggregation Database (gnomAD). The available evidence is insufficient to determine the role of this variant in disease conclusively. Therefore, this variant is classified as a Variant of Uncertain Significance.

Ambry Genetics
Classification: Uncertain significance for Cardiovascular phenotype. Last evaluated: 2020-07-06. Review status: criteria provided, single submitter. Criteria: Ambry Variant Classification Scheme 2023. Collection method: clinical testing. Allele origin: germline.
Comment: The p.P631R variant (also known as c.1892C>G), located in coding exon 16 of the KCNQ1 gene, results from a C to G substitution at nucleotide position 1892. The proline at codon 631 is replaced by arginine, an amino acid with dissimilar properties. This variant was identified in an individual with long QT syndrome (Krahn AD et al. Circ Arrhythm Electrophysiol, 2012 Oct;5:933-40). It was also identified in a child with congenital erythropoietic porphyria with no information provided regarding cardiac status or evaluations provided (Wang J et al. Genome Med, 2015 Jul;7:77). This amino acid position is not well conserved in available vertebrate species. In addition, the in silico prediction for this alteration is inconclusive. Since supporting evidence is limited at this time, the clinical significance of this alteration remains unclear.

GeneDx
Classification: Uncertain significance. Last evaluated: 2019-09-30. Review status: criteria provided, single submitter. Criteria: GeneDx Variant Classification Process June 2021. Collection method: clinical testing. Allele origin: germline. Affected: yes.
Comment: Has not been previously published as pathogenic or benign to our knowledge; In silico analysis, which includes protein predictors and evolutionary conservation, supports that this variant does not alter protein structure/function

Literature cited by the submitters: PubMed 22944906 (cited by Ambry Genetics); PubMed 26338694 (cited by Ambry Genetics).